The following is an entry in ClinVar:

NM_000051.4(ATM):c.5653A>T (p.Thr1885Ser)

Gene: ATM (ATM serine/threonine kinase; plus strand). Cytogenetic location: 11q22.3.
Variant type: single nucleotide variant.
Coding change: c.5653A>T on transcript NM_000051.4 (MANE Select); coding-DNA position 5653, A replaced by T.
Protein change: p.Thr1885Ser; replaces threonine 1885 with serine.
Molecular consequence: missense variant.
Genome position (GRCh38, 1-based): chr11:108,304,831, A>T. VCF-style: chr11-108304831-A-T. GRCh37 (hg19) VCF-style: chr11-108175558-A-T.
Other names: p.T1885S:ACC>TCC; c.5653A>T, p.Thr1885Ser (NM_001351834.2); short protein forms T1885S.
Identifiers: ClinVar variation 127410 (VCV000127410.18), dbSNP rs587779850, ClinGen allele CA286900.

ClinVar aggregate classification (germline): Uncertain significance. Review status: criteria provided, multiple submitters, no conflicts (2 of 4 stars). 5 submissions from 5 submitters: Uncertain significance (5). Last evaluated 2025-11-16.

Conditions:
Hereditary cancer-predisposing syndrome. Also called: Tumor predisposition; Hereditary Cancer Syndrome; Neoplastic Syndromes, Hereditary; Hereditary neoplastic syndrome. Identifiers: Orphanet 140162, MedGen C0027672, MeSH D009386, MONDO:0015356.
Familial cancer of breast. Also called: BREAST CANCER, FAMILIAL; Hereditary breast cancer; hereditary breast carcinoma. Identifiers: Orphanet 227535, MedGen C0346153, MONDO:0016419, OMIM 114480. Disease mechanism: loss of function.
Ataxia-telangiectasia syndrome (AT). Also called: LOUIS-BAR SYNDROME; Cerebello-oculocutaneous telangiectasia; Immunodeficiency with ataxia telangiectasia; ATAXIA-TELANGIECTASIA, COMPLEMENTATION GROUP A; ATAXIA-TELANGIECTASIA, FRESNO VARIANT; Ataxia-telangiectasia. Identifiers: Orphanet 100, MedGen C0004135, MONDO:0008840, OMIM 208900.

Allele frequency attached by ClinVar (database versions not stated): TOPMed 0.00001; gnomAD 0.00003.

Submissions (5):

Labcorp Genetics (formerly Invitae), Labcorp
Classification: Uncertain significance for Ataxia-telangiectasia syndrome. Last evaluated: 2025-11-16. Review status: criteria provided, single submitter. Criteria: Invitae Variant Classification Sherloc (09022015). Collection method: clinical testing. Allele origin: germline.
Comment: This sequence change replaces threonine, which is neutral and polar, with serine, which is neutral and polar, at codon 1885 of the ATM protein (p.Thr1885Ser). This variant is present in population databases (rs587779850, gnomAD 0.01%). This variant has not been reported in the literature in individuals affected with ATM-related conditions. ClinVar contains an entry for this variant (Variation ID: 127410). Invitae Evidence Modeling of protein sequence and biophysical properties (such as structural, functional, and spatial information, amino acid conservation, physicochemical variation, residue mobility, and thermodynamic stability) indicates that this missense variant is not expected to disrupt ATM protein function with a negative predictive value of 95%. In summary, the available evidence is currently insufficient to determine the role of this variant in disease. Therefore, it has been classified as a Variant of Uncertain Significance.

Ambry Genetics
Classification: Uncertain significance for Hereditary cancer-predisposing syndrome. Last evaluated: 2025-01-14. Review status: criteria provided, single submitter. Criteria: Ambry Variant Classification Scheme 2023. Collection method: clinical testing. Allele origin: germline.
Comment: The p.T1885S variant (also known as c.5653A>T), located in coding exon 36 of the ATM gene, results from an A to T substitution at nucleotide position 5653. The threonine at codon 1885 is replaced by serine, an amino acid with similar properties. This amino acid position is highly conserved in available vertebrate species. In addition, the in silico prediction for this alteration is inconclusive. Since supporting evidence is limited at this time, the clinical significance of this alteration remains unclear.

Color Diagnostics, LLC DBA Color Health
Classification: Uncertain significance for Hereditary cancer-predisposing syndrome. Last evaluated: 2024-03-06. Review status: criteria provided, single submitter. Criteria: ACMG Guidelines, 2015. Collection method: clinical testing. Allele origin: germline.
Comment: This missense variant replaces threonine with serine at codon 1885 of the ATM protein. Computational prediction suggests that this variant may not impact protein structure and function. To our knowledge, functional studies have not been reported for this variant. This variant has not been reported in individuals affected with ATM-related disorders in the literature. This variant has been identified in 1/31402 chromosomes in the general population by the Genome Aggregation Database (gnomAD). The available evidence is insufficient to determine the role of this variant in disease conclusively. Therefore, this variant is classified as a Variant of Uncertain Significance.

Baylor Genetics
Classification: Uncertain significance for Familial cancer of breast. Last evaluated: 2023-10-06. Review status: criteria provided, single submitter. Criteria: ACMG Guidelines, 2015. Collection method: clinical testing. Allele origin: unknown.

GeneDx
Classification: Uncertain significance. Last evaluated: 2015-01-30. Review status: criteria provided, single submitter. Criteria: GeneDx Variant Classification (06012015). Collection method: clinical testing. Allele origin: germline. Affected: yes.
Comment: This variant is denoted ATM c.5653A>T at the cDNA level, p.Thr1885Ser (T1885S) at the protein level, and results in the change of a Threonine to a Serine (ACC>TCC). This variant has not, to our knowledge, been published in the literature as pathogenic or benign. ATM Thr1885Ser was not observed in approximately 6,500 individuals of European and African American ancestry in the NHLBI Exome Sequencing Project, indicating it is not a common benign variant in these populations. Since Threonine and Serine share similar properties, this is considered a conservative amino acid substitution. ATM Thr1885Ser occurs at a position that is well conserved throughout evolution and is located in an Armadillo-type fold (Interpro). In silico analyses are inconsistent with regard to the effect this variant may have on protein structure and function. Based on currently available information, it is unclear whether ATM Thr1885Ser is pathogenic or benign. We consider it to be a variant of uncertain significance.